The following is an entry in ClinVar:

NM_001365951.3(KIF1B):c.3349T>G (p.Phe1117Val)

Gene: KIF1B (kinesin family member 1B; plus strand). Cytogenetic location: 1p36.22.
Variant type: single nucleotide variant.
Coding change: c.3349T>G on transcript NM_001365951.3 (MANE Select); coding-DNA position 3349, T replaced by G.
Protein change: p.Phe1117Val; replaces phenylalanine 1117 with valine.
Molecular consequence: missense variant.
Genome position (GRCh38, 1-based): chr1:10,337,460, T>G. VCF-style: chr1-10337460-T-G. GRCh37 (hg19) VCF-style: chr1-10397518-T-G.
Other names: c.3349T>G, p.Phe1117Val (NM_001365952.1); c.3211T>G, p.Phe1071Val (NM_015074.3); short protein forms F1071V, F1117V.
Identifiers: ClinVar variation 1401468 (VCV001401468.12), dbSNP rs180870886, ClinGen allele CA17841647.
Genomic context (GRCh38, chr1:10,337,460, plus strand): 5'-AAGATGGTAATGGAAGGGTTTTCTGAAGAGATTGGCAACCACCTGAAACTGGGCAGTGCC[T>G]TCACTTTCCGAGTAACAGTGTTGCAGGCCAGTGGAATCCTCCCAGAGTATGCAGATATCT-3'
Protein context (NP_001352880.1, residues 1107-1127): IGNHLKLGSA[Phe1117Val]TFRVTVLQAS

ClinVar aggregate classification (germline): Uncertain significance. Review status: criteria provided, multiple submitters, no conflicts (2 of 4 stars). 2 submissions from 2 submitters: Uncertain significance (2). Last evaluated 2024-06-07.

Conditions:
Charcot-Marie-Tooth disease type 2. Also called: Charcot-Marie-Tooth type 2. Identifiers: Orphanet 64746, MedGen C0270914, MONDO:0018993.

Allele frequency attached by ClinVar (database versions not stated): 1000 Genomes Project 0.00020; gnomAD 0.00001; 1000 Genomes Project 30x 0.00016; gnomAD exomes below 0.00001; TOPMed 0.00001.
gnomAD v4.1: 3 of 1,614,188 alleles (0.00019%); highest among the groups gnomAD compares: African/African-American, 0.004%; no homozygotes.

Submissions (2):

Ambry Genetics
Classification: Uncertain significance. Last evaluated: 2024-06-07. Review status: criteria provided, single submitter. Criteria: Ambry Variant Classification Scheme 2023. Collection method: clinical testing. Allele origin: germline.
Comment: The p.F1071V variant (also known as c.3211T>G), located in coding exon 28 of the KIF1B gene, results from a T to G substitution at nucleotide position 3211. The phenylalanine at codon 1071 is replaced by valine, an amino acid with highly similar properties. This amino acid position is conserved. In addition, this alteration is predicted to be deleterious by in silico analysis. Since supporting evidence is limited at this time, the clinical significance of this alteration remains unclear.

Labcorp Genetics (formerly Invitae), Labcorp
Classification: Uncertain significance for Charcot-Marie-Tooth disease type 2. Last evaluated: 2022-01-27. Review status: criteria provided, single submitter. Criteria: Invitae Variant Classification Sherloc (09022015). Collection method: clinical testing. Allele origin: germline.
Comment: In summary, the available evidence is currently insufficient to determine the role of this variant in disease. Therefore, it has been classified as a Variant of Uncertain Significance. Algorithms developed to predict the effect of missense changes on protein structure and function are either unavailable or do not agree on the potential impact of this missense change (SIFT: "Deleterious"; PolyPhen-2: "Probably Damaging"; Align-GVGD: "Class C0"). This variant has not been reported in the literature in individuals affected with KIF1B-related conditions. This variant is not present in population databases (gnomAD no frequency). This sequence change replaces phenylalanine, which is neutral and non-polar, with valine, which is neutral and non-polar, at codon 1071 of the KIF1B protein (p.Phe1071Val).